The following is an entry in ClinVar:

ClinVar aggregate classification (germline): Uncertain significance (1 of 4 stars; one submission).

Conditions:
Werner syndrome (WRN). Identifiers: Orphanet 902, MedGen C0043119, MONDO:0010196, OMIM 277700.

Allele frequency attached by ClinVar (database versions not stated): gnomAD 0.00001; gnomAD exomes 0.00001; TOPMed 0.00001.
gnomAD v4.1: 9 of 1,613,664 alleles (0.00056%); highest among the groups gnomAD compares: Non-Finnish European, 0.00076%; no homozygotes.

Submission:

Labcorp Genetics (formerly Invitae), Labcorp
Classification: Uncertain significance for Werner syndrome. Last evaluated: 2023-06-02. Review status: criteria provided, single submitter. Criteria: Invitae Variant Classification Sherloc (09022015). Collection method: clinical testing. Allele origin: germline.
Comment: This variant is not present in population databases (gnomAD no frequency). This sequence change replaces isoleucine, which is neutral and non-polar, with valine, which is neutral and non-polar, at codon 140 of the WRN protein (p.Ile140Val). In summary, the available evidence is currently insufficient to determine the role of this variant in disease. Therefore, it has been classified as a Variant of Uncertain Significance. An algorithm developed to predict the effect of missense changes on protein structure and function (PolyPhen-2) suggests that this variant is likely to be disruptive. This variant has not been reported in the literature in individuals affected with WRN-related conditions.

NM_000553.6(WRN):c.418A>G (p.Ile140Val)

Gene: WRN (WRN RecQ like helicase; plus strand). Cytogenetic location: 8p12.
Variant type: single nucleotide variant.
Coding change: c.418A>G on transcript NM_000553.6 (MANE Select); coding-DNA position 418, A replaced by G.
Protein change: p.Ile140Val; replaces isoleucine 140 with valine.
Molecular consequence: missense variant.
Genome position (GRCh38, 1-based): chr8:31,064,977, A>G. VCF-style: chr8-31064977-A-G. GRCh37 (hg19) VCF-style: chr8-30922493-A-G.
Other names: short protein forms I140V.
Identifiers: ClinVar variation 2897929 (VCV002897929.3), dbSNP rs1420843458, ClinGen allele CA370914762.
Genomic context (GRCh38, chr8:31,064,977, plus strand): 5'-TTTCCCCAGGGATTAAAAATGTTGCTTGAAAATAAAGCAGTTAAAAAGGCAGGTGTAGGA[A>G]TTGAAGGAGATCAGTGGAAACTTCTACGTGACTTTGATATCAAATTGAAGAATTTTGTGG-3'
Protein context (NP_000544.2, residues 130-150): NKAVKKAGVG[Ile140Val]EGDQWKLLRD